The following is an entry in ClinVar:

ClinVar aggregate classification (germline): Conflicting classifications of pathogenicity. Review status: criteria provided, conflicting classifications (1 of 4 stars). 2 submissions from 2 submitters: Uncertain significance (1); Likely benign (1). Last evaluated 2025-12-23.

Conditions:
Autosomal recessive polycystic kidney disease (ARPKD). Also called: AR polycystic kidney disease. Identifiers: Orphanet 731, Orphanet 8378, MedGen C0085548, MeSH D017044, MONDO:0009889.
PKHD1-related disorder. Also called: PKHD1-related condition.

Allele frequency attached by ClinVar (database versions not stated): gnomAD 0.00001; gnomAD exomes 0.00002; ExAC 0.00004; 1000 Genomes Project 30x 0.00016.
gnomAD v4.1: 29 of 1,613,848 alleles (0.0018%); highest among the groups gnomAD compares: South Asian, 0.03%; 1 homozygote.

Submissions (2):

Labcorp Genetics (formerly Invitae), Labcorp
Classification: Likely benign for Autosomal recessive polycystic kidney disease. Last evaluated: 2025-12-23. Review status: criteria provided, single submitter. Criteria: Invitae Variant Classification Sherloc (09022015). Collection method: clinical testing. Allele origin: germline.

PreventionGenetics, part of Exact Sciences
Classification: Uncertain significance for PKHD1-related condition. Last evaluated: 2024-10-16. Review status: criteria provided, single submitter. Criteria: ACMG Guidelines, 2015. Collection method: clinical testing. Allele origin: germline.
Comment: The PKHD1 c.5744A>G variant is predicted to result in the amino acid substitution p.Asn1915Ser. To our knowledge, this variant has not been reported in the literature. This variant is reported in 0.036% of alleles in individuals of South Asian descent in gnomAD. At this time, the clinical significance of this variant is uncertain due to the absence of conclusive functional and genetic evidence.

NM_138694.4(PKHD1):c.5744A>G (p.Asn1915Ser)

Gene: PKHD1 (PKHD1 ciliary IPT domain containing fibrocystin/polyductin; minus strand). Cytogenetic location: 6p12.2.
Variant type: single nucleotide variant.
Coding change: c.5744A>G on transcript NM_138694.4 (MANE Select); coding-DNA position 5744, A replaced by G.
Protein change: p.Asn1915Ser; replaces asparagine 1915 with serine.
Molecular consequence: missense variant.
Genome position (GRCh38, 1-based): chr6:52,010,316, T>C on the plus strand (A>G on the coding strand, the complement: PKHD1 is on the minus strand). VCF-style: chr6-52010316-T-C. GRCh37 (hg19) VCF-style: chr6-51875114-T-C.
Other names: c.5744A>G, p.Asn1915Ser (NM_170724.3); c.5744A>G (NM_138694.3); short protein forms N1915S.
Identifiers: ClinVar variation 2154346 (VCV002154346.5), dbSNP rs760830523, ClinGen allele CA3852443.